The following is an entry in ClinVar:

ClinVar aggregate classification (germline): Likely benign. Review status: criteria provided, multiple submitters, no conflicts (2 of 4 stars). 2 submissions from 2 submitters: Likely benign (2). Last evaluated 2025-04-18.

Conditions:
ATP2B2-related disorder. Also called: ATP2B2-related condition.

Allele frequency attached by ClinVar (database versions not stated): gnomAD 0.00001; TOPMed 0.00001; ESP Exome Variant Server 0.00008.
gnomAD v4.1: 25 of 1,599,880 alleles (0.0016%); highest among the groups gnomAD compares: Middle Eastern, 0.033%; no homozygotes.

Submissions (2):

PreventionGenetics, part of Exact Sciences
Classification: Likely benign for ATP2B2-related condition. Last evaluated: 2025-04-18. Review status: criteria provided, single submitter. Criteria: ACMG Guidelines, 2015. Collection method: clinical testing. Allele origin: germline.
Comment: This variant is classified as likely benign based on ACMG/AMP sequence variant interpretation guidelines (Richards et al. 2015 PMID: 25741868, with internal and published modifications).

Labcorp Genetics (formerly Invitae), Labcorp
Classification: Likely benign. Last evaluated: 2023-11-19. Review status: criteria provided, single submitter. Criteria: Invitae Variant Classification Sherloc (09022015). Collection method: clinical testing. Allele origin: germline.

NM_001001331.4(ATP2B2):c.1043-6C>G

Gene: ATP2B2 (ATPase plasma membrane Ca2+ transporting 2; minus strand). Cytogenetic location: 3p25.3.
Variant type: single nucleotide variant.
Coding change: c.1043-6C>G on transcript NM_001001331.4 (MANE Select); 6 bases into the intron before coding-DNA position 1043, C replaced by G.
Molecular consequence: intron variant.
Genome position (GRCh38, 1-based): chr3:10,378,416, G>C on the plus strand (C>G on the coding strand, the complement: ATP2B2 is on the minus strand). VCF-style: chr3-10378416-G-C. GRCh37 (hg19) VCF-style: chr3-10420100-G-C.
Other names: c.908-6C>G (NM_001353564.1, NM_001683.5, NM_001330611.3 and 2 more transcripts).
Identifiers: ClinVar variation 2178979 (VCV002178979.5), dbSNP rs111358898, ClinGen allele CA70119028.
Genomic context (GRCh38, chr3:10,378,416, plus strand): 5'-TCGGCACTCTTGAGGGGCTGCATCTCCATGGCGGCTGCCCCGTCCTGTTGTTTGGCTGCA[G>C]GGGGCAGATCACGCACGTGCATACACACAGACACATAGACACACATGCAGGTCAGCCCAC-3'